The following is an entry in ClinVar:

ClinVar aggregate classification (germline): Uncertain significance (1 of 4 stars; one submission).

Conditions:
LAMB2-related infantile-onset nephrotic syndrome. Also called: NEPHROTIC SYNDROME, TYPE 5, WITHOUT OCULAR ABNORMALITIES; NEPHROTIC SYNDROME, TYPE 5, WITH OCULAR ABNORMALITIES; Nephrotic Syndrome, type 5. Identifiers: Orphanet 306507, MedGen C3280113, MONDO:0013621, OMIM 614199.
Pierson syndrome. Also called: MICROCORIA-CONGENITAL NEPHROTIC SYNDROME. Identifiers: Orphanet 2670, MedGen C1836876, MONDO:0012184, OMIM 609049.

Allele frequency attached by ClinVar (database versions not stated): gnomAD 0.00001 and 0.00002; gnomAD exomes 0.00001; TOPMed 0.00002.
gnomAD v4.1: 17 of 1,609,158 alleles (0.0011%); highest among the groups gnomAD compares: Middle Eastern, 0.017%; no homozygotes.

Submission:

Labcorp Genetics (formerly Invitae), Labcorp
Classification: Uncertain significance for Nephrotic syndrome, type 5, with or without ocular abnormalities; Pierson syndrome. Last evaluated: 2018-10-10. Review status: criteria provided, single submitter. Criteria: Invitae Variant Classification Sherloc (09022015). Collection method: clinical testing. Allele origin: germline.
Comment: This sequence change replaces arginine with tryptophan at codon 1455 of the LAMB2 protein (p.Arg1455Trp). The arginine residue is highly conserved and there is a moderate physicochemical difference between arginine and tryptophan. This variant is not present in population databases (ExAC no frequency). This variant has not been reported in the literature in individuals with LAMB2-related disease. Algorithms developed to predict the effect of missense changes on protein structure and function (SIFT, PolyPhen-2, Align-GVGD) all suggest that this variant is likely to be disruptive, but these predictions have not been confirmed by published functional studies and their clinical significance is uncertain. In summary, the available evidence is currently insufficient to determine the role of this variant in disease. Therefore, it has been classified as a Variant of Uncertain Significance.

NM_002292.4(LAMB2):c.4363C>T (p.Arg1455Trp)

Gene: LAMB2 (laminin subunit beta 2; minus strand). Cytogenetic location: 3p21.31.
Variant type: single nucleotide variant.
Coding change: c.4363C>T on transcript NM_002292.4 (MANE Select); coding-DNA position 4363, C replaced by T.
Protein change: p.Arg1455Trp; replaces arginine 1455 with tryptophan.
Molecular consequence: missense variant.
Genome position (GRCh38, 1-based): chr3:49,122,914, G>A on the plus strand (C>T on the coding strand, the complement: LAMB2 is on the minus strand). VCF-style: chr3-49122914-G-A. GRCh37 (hg19) VCF-style: chr3-49160347-G-A.
Other names: short protein forms R1455W.
Identifiers: ClinVar variation 651685 (VCV000651685.1), dbSNP rs901971113, ClinGen allele CA74476534.